The following is an entry in ClinVar:

NM_000368.5(TSC1):c.3361C>T (p.Leu1121=)

Gene: TSC1 (TSC complex subunit 1; minus strand). Cytogenetic location: 9q34.13.
Variant type: single nucleotide variant.
Coding change: c.3361C>T on transcript NM_000368.5 (MANE Select); coding-DNA position 3361, C replaced by T.
Protein change: p.Leu1121=; no amino-acid change (leucine 1121 retained).
Molecular consequence: synonymous variant.
Genome position (GRCh38, 1-based): chr9:132,896,369, G>A on the plus strand (C>T on the coding strand, the complement: TSC1 is on the minus strand). VCF-style: chr9-132896369-G-A. GRCh37 (hg19) VCF-style: chr9-135771756-G-A.
Other names: c.3358C>T, p.Leu1120= (NM_001162426.2); c.3208C>T, p.Leu1070= (NM_001162427.2); c.2998C>T, p.Leu1000= (NM_001362177.2).
Identifiers: ClinVar variation 534496 (VCV000534496.12), dbSNP rs769478982, ClinGen allele CA036630.

ClinVar aggregate classification (germline): Likely benign. Review status: criteria provided, multiple submitters, no conflicts (2 of 4 stars). 3 submissions from 3 submitters: Likely benign (3). Last evaluated 2023-12-21.

Conditions:
Hereditary cancer-predisposing syndrome. Also called: Neoplastic Syndromes, Hereditary; Hereditary neoplastic syndrome; Tumor predisposition; Hereditary Cancer Syndrome. Identifiers: Orphanet 140162, MedGen C0027672, MeSH D009386, MONDO:0015356.
Tuberous sclerosis syndrome (TSC). Also called: Tuberous Sclerosis Complex; Tuberous sclerosis. Identifiers: Orphanet 805, MedGen C0041341, MONDO:0001734.
Tuberous sclerosis 1 (TSC1). Identifiers: Orphanet 805, MedGen C1854465, MONDO:0008612, OMIM 191100.

Allele frequency attached by ClinVar (database versions not stated): gnomAD exomes below 0.00001; ExAC 0.00001.
gnomAD v4.1: 1 of 1,614,222 alleles (0.000062%); highest among the groups gnomAD compares: Admixed American, 0.0017%; no homozygotes.

Submissions (3):

Labcorp Genetics (formerly Invitae), Labcorp
Classification: Likely benign for Tuberous sclerosis 1. Last evaluated: 2023-12-21. Review status: criteria provided, single submitter. Criteria: Invitae Variant Classification Sherloc (09022015). Collection method: clinical testing. Allele origin: germline.

All of Us Research Program, National Institutes of Health
Classification: Likely benign for Tuberous sclerosis syndrome. Last evaluated: 2023-07-10. Review status: criteria provided, single submitter. Criteria: ACMG Guidelines, 2015. Collection method: clinical testing. Allele origin: germline. Inheritance: Autosomal dominant inheritance. Observed: 1 variant allele, 1 heterozygote.
Comment: This study involves interpretation of variants in research participants for the purpose of population health screening. Participant phenotype was not available at the time of variant classification. Additional details can be found in publication PMID: 35346344, PMCID: PMC8962531

Ambry Genetics
Classification: Likely benign for Hereditary cancer-predisposing syndrome. Last evaluated: 2022-10-03. Review status: criteria provided, single submitter. Criteria: Ambry Variant Classification Scheme 2023. Collection method: clinical testing. Allele origin: germline.